The following is an entry in ClinVar:

NM_001943.5(DSG2):c.569A>G (p.Asn190Ser)

Gene: DSG2 (desmoglein 2; plus strand). Cytogenetic location: 18q12.1.
Variant type: single nucleotide variant.
Coding change: c.569A>G on transcript NM_001943.5 (MANE Select); coding-DNA position 569, A replaced by G.
Protein change: p.Asn190Ser; replaces asparagine 190 with serine.
Molecular consequence: missense variant.
Genome position (GRCh38, 1-based): chr18:31,522,128, A>G. VCF-style: chr18-31522128-A-G. GRCh37 (hg19) VCF-style: chr18-29102091-A-G.
Other names: short protein forms N190S.
Identifiers: ClinVar variation 3842626 (VCV003842626.1).

ClinVar aggregate classification (germline): Uncertain significance (1 of 4 stars; one submission).

Conditions:
Cardiovascular phenotype. Identifiers: MedGen CN230736.

gnomAD v4.1: 1 of 1,613,838 alleles (0.000062%); highest among the groups gnomAD compares: Non-Finnish European, 0.000085%; no homozygotes.

Submission:

Ambry Genetics
Classification: Uncertain significance for Cardiovascular phenotype. Last evaluated: 2025-02-15. Review status: criteria provided, single submitter. Criteria: Ambry Variant Classification Scheme 2023. Collection method: clinical testing. Allele origin: germline.
Comment: The p.N190S variant (also known as c.569A>G), located in coding exon 6 of the DSG2 gene, results from an A to G substitution at nucleotide position 569. The asparagine at codon 190 is replaced by serine, an amino acid with highly similar properties. This amino acid position is conserved. In addition, this alteration is predicted to be tolerated by in silico analysis. Based on the available evidence, the clinical significance of this variant remains unclear.